The following is an entry in ClinVar:

ClinVar aggregate classification (germline): Uncertain significance (1 of 4 stars; one submission).

Allele frequency attached by ClinVar (database versions not stated): gnomAD exomes 0.00001; ExAC 0.00004; gnomAD 0.00003; TOPMed 0.00005.
gnomAD v4.1: 17 of 1,614,048 alleles (0.0011%); highest among the groups gnomAD compares: East Asian, 0.0067%; no homozygotes.

Submission:

Labcorp Genetics (formerly Invitae), Labcorp
Classification: Uncertain significance. Last evaluated: 2024-11-06. Review status: criteria provided, single submitter. Criteria: Invitae Variant Classification Sherloc (09022015). Collection method: clinical testing. Allele origin: germline.
Comment: This sequence change replaces asparagine, which is neutral and polar, with serine, which is neutral and polar, at codon 925 of the FAT4 protein (p.Asn925Ser). This variant is present in population databases (rs772129183, gnomAD 0.02%). This variant has not been reported in the literature in individuals affected with FAT4-related conditions. ClinVar contains an entry for this variant (Variation ID: 2051104). Invitae Evidence Modeling of protein sequence and biophysical properties (such as structural, functional, and spatial information, amino acid conservation, physicochemical variation, residue mobility, and thermodynamic stability) indicates that this missense variant is not expected to disrupt FAT4 protein function with a negative predictive value of 80%. In summary, the available evidence is currently insufficient to determine the role of this variant in disease. Therefore, it has been classified as a Variant of Uncertain Significance.

NM_001291303.3(FAT4):c.2774A>G (p.Asn925Ser)

Gene: FAT4 (FAT atypical cadherin 4; plus strand). Cytogenetic location: 4q28.1.
Variant type: single nucleotide variant.
Coding change: c.2774A>G on transcript NM_001291303.3 (MANE Select); coding-DNA position 2774, A replaced by G.
Protein change: p.Asn925Ser; replaces asparagine 925 with serine.
Molecular consequence: missense variant.
Genome position (GRCh38, 1-based): chr4:125,319,185, A>G. VCF-style: chr4-125319185-A-G. GRCh37 (hg19) VCF-style: chr4-126240340-A-G.
Other names: c.2774A>G, p.Asn925Ser (NM_001291285.3, NM_024582.6); short protein forms N925S.
Identifiers: ClinVar variation 2051104 (VCV002051104.3), dbSNP rs772129183, ClinGen allele CA3072205.
Genomic context (GRCh38, chr4:125,319,185, plus strand): 5'-ATTGGCAGGCAGGTCACAGCATTTTCCAGGCCAAAGCTGTGGACCCTGATGAAGGTGTCA[A>G]TGGCATGGTACTCTATAGTCTGAAGCAAAACCCCAAGAACCTGTTTGCTATCAATGAAAA-3'
Protein context (NP_001278232.1, residues 915-935): AKAVDPDEGV[Asn925Ser]GMVLYSLKQN